The following is an entry in ClinVar:

ClinVar aggregate classification (germline): Uncertain significance (1 of 4 stars; one submission).

Submission:

GeneDx
Classification: Uncertain significance. Last evaluated: 2024-03-03. Review status: criteria provided, single submitter. Criteria: GeneDx Variant Classification Process June 2021. Collection method: clinical testing. Allele origin: germline. Affected: yes.
Comment: In silico analysis supports that this missense variant has a deleterious effect on protein structure/function; Has not been previously published as pathogenic or benign to our knowledge

NM_014712.3(SETD1A):c.4625G>A (p.Arg1542Gln)

Gene: SETD1A (SET domain containing 1A, histone lysine methyltransferase; plus strand). Cytogenetic location: 16p11.2.
Variant type: single nucleotide variant.
Coding change: c.4625G>A on transcript NM_014712.3 (MANE Select); coding-DNA position 4625, G replaced by A.
Protein change: p.Arg1542Gln; replaces arginine 1542 with glutamine.
Molecular consequence: missense variant.
Genome position (GRCh38, 1-based): chr16:30,980,782, G>A. VCF-style: chr16-30980782-G-A. GRCh37 (hg19) VCF-style: chr16-30992103-G-A.
Other names: short protein forms R1542Q.
Identifiers: ClinVar variation 3369790 (VCV003369790.1).